The following is an entry in ClinVar:

ClinVar aggregate classification (germline): Likely pathogenic (1 of 4 stars; one submission).

Allele frequency attached by ClinVar (database versions not stated): ExAC 0.00001; gnomAD exomes 0.00001; ESP Exome Variant Server 0.00008.
gnomAD v4.1: 11 of 1,604,156 alleles (0.00069%); highest among the groups gnomAD compares: Non-Finnish European, 0.00094%; no homozygotes.

Submission:

Labcorp Genetics (formerly Invitae), Labcorp
Classification: Likely pathogenic. Last evaluated: 2022-04-11. Review status: criteria provided, single submitter. Criteria: Invitae Variant Classification Sherloc (09022015). Collection method: clinical testing. Allele origin: germline.
Comment: This sequence change affects an acceptor splice site in intron 14 of the XPC gene. It is expected to disrupt RNA splicing. Variants that disrupt the donor or acceptor splice site typically lead to a loss of protein function (PMID: 16199547), and loss-of-function variants in XPC are known to be pathogenic (PMID: 23173980, 25256075). The frequency data for this variant in the population databases is considered unreliable, as metrics indicate poor data quality at this position in the gnomAD database. This variant has not been reported in the literature in individuals affected with XPC-related conditions. Algorithms developed to predict the effect of sequence changes on RNA splicing suggest that this variant may disrupt the consensus splice site. In summary, the currently available evidence indicates that the variant is pathogenic, but additional data are needed to prove that conclusively. Therefore, this variant has been classified as Likely Pathogenic.

Literature cited by the submitters: PubMed 16199547; PubMed 23173980; PubMed 25256075.

NM_004628.5(XPC):c.2515-1G>A

Gene: XPC (XPC complex subunit, DNA damage recognition and repair factor; minus strand). Cytogenetic location: 3p25.1.
Variant type: single nucleotide variant.
Coding change: c.2515-1G>A on transcript NM_004628.5 (MANE Select); the canonical splice acceptor site of the intron before coding-DNA position 2515, G replaced by A.
Molecular consequence: splice acceptor variant.
Genome position (GRCh38, 1-based): chr3:14,147,380, C>T on the plus strand (G>A on the coding strand, the complement: XPC is on the minus strand). VCF-style: chr3-14147380-C-T. GRCh37 (hg19) VCF-style: chr3-14188880-C-T.
Other names: c.2497-1G>A (NM_001354729.2); c.1936-1G>A (NM_001354726.2); c.2269-1G>A (NM_001354730.2); c.2509-1G>A (NM_001354727.2).
Identifiers: ClinVar variation 1967435 (VCV001967435.5), dbSNP rs375910154, ClinGen allele CA2267104.